The following is an entry in ClinVar:

NM_003560.4(PLA2G6):c.343C>T (p.Arg115Cys)

Gene: PLA2G6 (phospholipase A2 group VI; minus strand). Cytogenetic location: 22q13.1.
Variant type: single nucleotide variant.
Coding change: c.343C>T on transcript NM_003560.4 (MANE Select); coding-DNA position 343, C replaced by T.
Protein change: p.Arg115Cys; replaces arginine 115 with cysteine.
Molecular consequence: missense variant. On other transcripts: 5 prime UTR variant (3).
Genome position (GRCh38, 1-based): chr22:38,145,520, G>A on the plus strand (C>T on the coding strand, the complement: PLA2G6 is on the minus strand). VCF-style: chr22-38145520-G-A. GRCh37 (hg19) VCF-style: chr22-38541527-G-A.
Other names: c.343C>T, p.Arg115Cys (NM_001004426.3, NM_001199562.3, NM_001349864.2 and 2 more transcripts); c.-192C>T (NM_001349867.2, NM_001349869.2); c.-148C>T (NM_001349868.2); short protein forms R115C.
Identifiers: ClinVar variation 805204 (VCV000805204.7), dbSNP rs995653548, ClinGen allele CA411532245.

ClinVar aggregate classification (germline): Conflicting classifications of pathogenicity. Review status: criteria provided, conflicting classifications (1 of 4 stars). 4 submissions from 4 submitters: Likely pathogenic (1); Uncertain significance (3). Last evaluated 2025-10-08.

Conditions:
PLA2G6-related disorder. Also called: PLA2G6-related condition.
Infantile neuroaxonal dystrophy (NBIA2A). Also called: SEITELBERGER DISEASE; NEURODEGENERATION WITH BRAIN IRON ACCUMULATION 2A; Infantile neuroaxonal dystrophy 1. Identifiers: Orphanet 35069, MedGen C0270724, MONDO:0024457, OMIM 256600.

gnomAD v4.1: 29 of 1,613,278 alleles (0.0018%); highest among the groups gnomAD compares: East Asian, 0.0022%; no homozygotes.

Submissions (4):

Women's Health and Genetics/Laboratory Corporation of America, LabCorp
Classification: Uncertain significance. Last evaluated: 2025-10-08. Review status: criteria provided, single submitter. Criteria: LabCorp Variant Classification Summary - May 2015. Collection method: clinical testing. Allele origin: germline.
Comment: Variant summary: PLA2G6 c.343C>T (p.Arg115Cys) results in a non-conservative amino acid change in the encoded protein sequence. Algorithms developed to predict the effect of missense changes on protein structure and function are either unavailable or do not agree on the potential impact of this missense change. The variant allele was found at a frequency of 4e-06 in 249032 control chromosomes. The available data on variant occurrences in the general population are insufficient to allow any conclusion about variant significance. c.343C>T has been observed in a compound heterozygous individual affected with Parkinson disease 14, autosomal recessive (Ahn_2024). These report(s) do not provide unequivocal conclusions about association of the variant with Neurodegeneration With Brain Iron Accumulation. To our knowledge, no experimental evidence demonstrating an impact on protein function has been reported. The following publication have been ascertained in the context of this evaluation (PMID: 39609445). ClinVar contains an entry for this variant (Variation ID: 805204). Based on the evidence outlined above, the variant was classified as uncertain significance.

Labcorp Genetics (formerly Invitae), Labcorp
Classification: Uncertain significance for Infantile neuroaxonal dystrophy. Last evaluated: 2024-10-14. Review status: criteria provided, single submitter. Criteria: Invitae Variant Classification Sherloc (09022015). Collection method: clinical testing. Allele origin: germline.
Comment: This sequence change replaces arginine, which is basic and polar, with cysteine, which is neutral and slightly polar, at codon 115 of the PLA2G6 protein (p.Arg115Cys). The frequency data for this variant in the population databases is considered unreliable, as metrics indicate poor data quality at this position in the gnomAD database. This variant has not been reported in the literature in individuals affected with PLA2G6-related conditions. ClinVar contains an entry for this variant (Variation ID: 805204). Invitae Evidence Modeling of protein sequence and biophysical properties (such as structural, functional, and spatial information, amino acid conservation, physicochemical variation, residue mobility, and thermodynamic stability) indicates that this missense variant is expected to disrupt PLA2G6 protein function with a positive predictive value of 80%. In summary, the available evidence is currently insufficient to determine the role of this variant in disease. Therefore, it has been classified as a Variant of Uncertain Significance.

Blueprint Genetics
Classification: Likely pathogenic for PLA2G6-related disorders. Last evaluated: 2024-07-30. Review status: criteria provided, single submitter. Criteria: ACMG Guidelines, 2015. Collection method: clinical testing. Allele origin: germline. Affected: yes. Observed: 3 variant alleles.

Athena Diagnostics
Classification: Uncertain significance. Last evaluated: 2018-09-30. Review status: criteria provided, single submitter. Criteria: Athena Diagnostics Criteria. Collection method: clinical testing. Allele origin: germline.

Literature cited by the submitters: PubMed 39609445 (cited by Women's Health and Genetics/Laboratory Corporation of America, LabCorp).